The following is an entry in ClinVar:

ClinVar aggregate classification (germline): Conflicting classifications of pathogenicity. Review status: criteria provided, conflicting classifications (1 of 4 stars). 5 submissions from 5 submitters: Uncertain significance (4); Likely benign (1). Last evaluated 2025-08-06.

Conditions:
Hereditary cancer-predisposing syndrome. Also called: Neoplastic Syndromes, Hereditary; Tumor predisposition; Hereditary Cancer Syndrome; Hereditary neoplastic syndrome. Identifiers: Orphanet 140162, MedGen C0027672, MeSH D009386, MONDO:0015356.
Hereditary breast ovarian cancer syndrome. Also called: Hereditary breast and ovarian cancer; Hereditary breast and/or ovarian cancer syndrome; BRCA1- and BRCA2-Associated Hereditary Breast and Ovarian Cancer; Hereditary breast and ovarian cancer syndrome (HBOC); Hereditary breast and ovarian cancer syndrome; Breast and ovarian cancer. Identifiers: Orphanet 145, MedGen C0677776, MeSH D061325, MONDO:0003582. Disease mechanism: loss of function.

Allele frequency attached by ClinVar (database versions not stated): gnomAD exomes below 0.00001.

Submissions (5):

Quest Diagnostics Nichols Institute San Juan Capistrano
Classification: Uncertain significance. Last evaluated: 2025-08-06. Review status: criteria provided, single submitter. Criteria: Quest Diagnostics criteria. Collection method: clinical testing. Allele origin: unknown.
Comment: The BRCA1 c.3248T>C (p.Met1083Thr) variant has been reported in the published literature in to be located in a region of the BRCA1 gene that is tolerant to missense sequence changes (PMID: 31911673 (2020)). This variant has not been reported in large, multi-ethnic general populations (Genome Aggregation Database). Analysis of this variant using bioinformatics tools for the prediction of the effect of amino acid changes on protein structure and function yielded predictions that this variant is benign. Based on the available information, we are unable to determine the clinical significance of this variant.

Labcorp Genetics (formerly Invitae), Labcorp
Classification: Uncertain significance for Hereditary breast ovarian cancer syndrome. Last evaluated: 2025-03-05. Review status: criteria provided, single submitter. Criteria: Invitae Variant Classification Sherloc (09022015). Collection method: clinical testing. Allele origin: germline.
Comment: This sequence change replaces methionine, which is neutral and non-polar, with threonine, which is neutral and polar, at codon 1083 of the BRCA1 protein (p.Met1083Thr). This variant is not present in population databases (gnomAD no frequency). This missense change has been observed in individual(s) with BRCA1-related conditions (PMID: 21520333). ClinVar contains an entry for this variant (Variation ID: 187732). Invitae Evidence Modeling of protein sequence and biophysical properties (such as structural, functional, and spatial information, amino acid conservation, physicochemical variation, residue mobility, and thermodynamic stability) indicates that this missense variant is not expected to disrupt BRCA1 protein function with a negative predictive value of 80%. In summary, the available evidence is currently insufficient to determine the role of this variant in disease. Therefore, it has been classified as a Variant of Uncertain Significance.

Ambry Genetics
Classification: Uncertain significance for Hereditary cancer-predisposing syndrome. Last evaluated: 2024-05-11. Review status: criteria provided, single submitter. Criteria: Ambry Variant Classification Scheme 2023. Collection method: clinical testing. Allele origin: germline.
Comment: The p.M1083T variant (also known as c.3248T>C), located in coding exon 9 of the BRCA1 gene, results from a T to C substitution at nucleotide position 3248. The methionine at codon 1083 is replaced by threonine, an amino acid with similar properties. This amino acid position is poorly conserved in available vertebrate species. In addition, this alteration is predicted to be tolerated by in silico analysis. Since supporting evidence is limited at this time, the clinical significance of this alteration remains unclear.

University of Washington Department of Laboratory Medicine, University of Washington
Classification: Likely benign for Hereditary cancer-predisposing syndrome. Last evaluated: 2023-03-23. Review status: criteria provided, single submitter. Criteria: Dines et al. (Genet Med. 2020). Collection method: curation. Allele origin: germline.
Comment: Missense variant in a coldspot region where missense variants are very unlikely to be pathogenic (PMID:31911673).

BRCA1 coldspot (exon 11 using historical exon numbering). Reclassification based on statistical prior probability

Color Diagnostics, LLC DBA Color Health
Classification: Uncertain significance for Hereditary cancer-predisposing syndrome. Last evaluated: 2023-02-21. Review status: criteria provided, single submitter. Criteria: ACMG Guidelines, 2015. Collection method: clinical testing. Allele origin: germline.
Comment: This missense variant replaces methionine with threonine at codon 1083 of the BRCA1 protein. Computational prediction suggests that this variant may not impact protein structure and function (internally defined REVEL score threshold <= 0.5, PMID: 27666373). To our knowledge, functional studies have not been reported for this variant. A multifactorial analysis has reported likelihood ratios for pathogenicity of 1.0331 and 1.6021 based on co-occurrence and family history, respectively (PMID: 31131967). This variant has not been identified in the general population by the Genome Aggregation Database (gnomAD). The available evidence is insufficient to determine the role of this variant in disease conclusively. Therefore, this variant is classified as a Variant of Uncertain Significance.

Literature cited by the submitters: PubMed 31911673 (cited by Quest Diagnostics Nichols Institute San Juan Capistrano); PubMed 31131967 (cited by Quest Diagnostics Nichols Institute San Juan Capistrano and Color Diagnostics, LLC DBA Color Health); PubMed 35979650 (cited by Quest Diagnostics Nichols Institute San Juan Capistrano); PubMed 32546644 (cited by Quest Diagnostics Nichols Institute San Juan Capistrano); PubMed 21520333 (cited by Labcorp Genetics (formerly Invitae), Labcorp).

NM_007294.4(BRCA1):c.3248T>C (p.Met1083Thr)

Genes: BRCA1 (BRCA1 DNA repair associated; minus strand), LOC126862571 (BRD4-independent group 4 enhancer GRCh37_chr17:41243136-41244335; plus strand). Cytogenetic location: 17q21.31.
Variant type: single nucleotide variant.
Coding change: c.3248T>C on transcript NM_007294.4 (MANE Select); coding-DNA position 3248, T replaced by C.
Protein change: p.Met1083Thr; replaces methionine 1083 with threonine.
Molecular consequence: missense variant. On other transcripts: intron variant (137).
Genome position (GRCh38, 1-based): chr17:43,092,283, A>G on the plus strand (T>C on the coding strand, the complement: BRCA1 is on the minus strand). VCF-style: chr17-43092283-A-G. GRCh37 (hg19) VCF-style: chr17-41244300-A-G.
Other names: c.3245T>C, p.Met1082Thr (NM_001407645.1, NM_001407860.1, NM_001407861.1 and 22 more transcripts); c.3239T>C, p.Met1080Thr (NM_001407646.1, NM_001407647.1); c.3125T>C, p.Met1042Thr (NM_001407648.1, NM_001407664.1, NM_001407665.1 and 19 more transcripts); c.3122T>C, p.Met1041Thr (NM_001407649.1, NM_001407670.1, NM_001407671.1 and 11 more transcripts); c.3248T>C, p.Met1083Thr (NM_001407652.1, NM_001407684.1, NM_001407854.1 and 30 more transcripts); c.3170T>C, p.Met1057Thr (NM_001407653.1, NM_001407654.1, NM_001407655.1 and 4 more transcripts); c.3167T>C, p.Met1056Thr (NM_001407659.1, NM_001407660.1, NM_001407661.1 and 1 more transcripts); c.3107T>C, p.Met1036Thr (NM_001407692.1, NM_001407694.1, NM_001407695.1 and 29 more transcripts); and 41 more; short protein forms M1083T, M1036T, M787T, M972T, M1012T, M1013T, M1082T, M915T.
Identifiers: ClinVar variation 187732 (VCV000187732.26), dbSNP rs786203958, ClinGen allele CA002100.